The following is an entry in ClinVar:

NM_181882.3(PRX):c.3856G>A (p.Gly1286Ser)

Gene: PRX (periaxin; minus strand). Cytogenetic location: 19q13.2.
Variant type: single nucleotide variant.
Coding change: c.3856G>A on transcript NM_181882.3 (MANE Select); coding-DNA position 3856, G replaced by A.
Protein change: p.Gly1286Ser; replaces glycine 1286 with serine.
Molecular consequence: missense variant. On other transcripts: 3 prime UTR variant (1).
Genome position (GRCh38, 1-based): chr19:40,394,496, C>T on the plus strand (G>A on the coding strand, the complement: PRX is on the minus strand). VCF-style: chr19-40394496-C-T. GRCh37 (hg19) VCF-style: chr19-40900403-C-T.
Other names: c.*4061G>A (NM_020956.2); short protein forms G1286S.
Identifiers: ClinVar variation 513203 (VCV000513203.15), dbSNP rs555523161, ClinGen allele CA9443763.

ClinVar aggregate classification (germline): Benign/Likely benign. Review status: criteria provided, multiple submitters, no conflicts (2 of 4 stars). 4 submissions from 4 submitters: Benign (1); Likely benign (3). Last evaluated 2026-01-01.

Conditions:
Inborn genetic diseases. Identifiers: MedGen C0950123, MeSH D030342.
Charcot-Marie-Tooth disease type 4. Also called: Charcot-Marie-Tooth disease, type IV; Charcot-Marie-Tooth, Type 4. Identifiers: Orphanet 64749, MedGen C4082197, MONDO:0018995.

Allele frequency attached by ClinVar (database versions not stated): gnomAD below 0.00001 and 0.00007; TOPMed below 0.00001; gnomAD exomes 0.00014 and 0.00034; 1000 Genomes Project 30x 0.00016; 1000 Genomes Project 0.00020; ExAC 0.00050.
gnomAD v4.1: 206 of 1,599,658 alleles (0.013%); highest among the groups gnomAD compares: South Asian, 0.22%; 2 homozygotes.

Submissions (4):

CeGaT Center for Human Genetics Tuebingen
Classification: Likely benign. Last evaluated: 2026-01-01. Review status: criteria provided, single submitter. Criteria: CeGaT Center For Human Genetics Tuebingen Variant Classification Criteria Version 2. Collection method: clinical testing. Allele origin: germline. Affected: yes. Observed: 1 variant allele.
Comment: PRX: BP4

Labcorp Genetics (formerly Invitae), Labcorp
Classification: Benign for Charcot-Marie-Tooth disease type 4. Last evaluated: 2024-10-18. Review status: criteria provided, single submitter. Criteria: Invitae Variant Classification Sherloc (09022015). Collection method: clinical testing. Allele origin: germline.

Ambry Genetics
Classification: Likely benign for Inborn genetic diseases. Last evaluated: 2022-05-22. Review status: criteria provided, single submitter. Criteria: Ambry Variant Classification Scheme 2023. Collection method: clinical testing. Allele origin: germline.

GeneDx
Classification: Likely benign. Last evaluated: 2017-11-09. Review status: criteria provided, single submitter. Criteria: GeneDx Variant Classification (06012015). Collection method: clinical testing. Allele origin: germline. Affected: yes.
Comment: This variant is considered likely benign or benign based on one or more of the following criteria: it is a conservative change, it occurs at a poorly conserved position in the protein, it is predicted to be benign by multiple in silico algorithms, and/or has population frequency not consistent with disease.